The following is an entry in ClinVar:

ClinVar aggregate classification (germline): Uncertain significance. Review status: criteria provided, single submitter (1 of 4 stars). 2 submissions from 2 submitters: Uncertain significance (1). 1 of the submissions does not count toward it. Last evaluated 2024-04-07.

Conditions:
CEP290-related disorder. Also called: CEP290-related disorders; CEP290-related condition. Identifiers: MedGen CN239314.
Leber congenital amaurosis 10 (LCA10). Identifiers: Orphanet 65, MedGen C1857821, MONDO:0012723, OMIM 611755.
Joubert syndrome 5 (JBTS5). Identifiers: Orphanet 2318, MedGen C1857780, MONDO:0012432, OMIM 610188.
Bardet-Biedl syndrome 14 (BBS14). Identifiers: Orphanet 110, MedGen C2673874, MONDO:0014442, OMIM 615991.
Meckel syndrome, type 4 (MKS4). Also called: MECKEL-GRUBER SYNDROME, TYPE 4. Identifiers: Orphanet 564, MedGen C1970161, MONDO:0012626, OMIM 611134.
Senior-Loken syndrome 6 (SLSN6). Identifiers: Orphanet 3156, MedGen C1857779, MONDO:0012433, OMIM 610189.

gnomAD v4.1: 3 of 1,608,758 alleles (0.00019%); highest among the groups gnomAD compares: Non-Finnish European, 0.00025%; no homozygotes.

Submissions (2):

Fulgent Genetics
Classification: Uncertain significance for Joubert syndrome 5; Senior-Loken syndrome 6; Meckel syndrome, type 4; Leber congenital amaurosis 10; Bardet-Biedl syndrome 14. Last evaluated: 2024-04-07. Review status: criteria provided, single submitter. Criteria: ACMG Guidelines, 2015. Collection method: clinical testing. Allele origin: germline.

PreventionGenetics, part of Exact Sciences
Classification: Uncertain significance for CEP290-related condition. Last evaluated: 2024-04-23. Review status: no assertion criteria provided. Collection method: clinical testing. Allele origin: germline. Not counted in ClinVar's aggregate classification.
Comment: The CEP290 c.2674A>G variant is predicted to result in the amino acid substitution p.Asn892Asp. To our knowledge, this variant has not been reported in the literature or in a large population database, indicating this variant is rare. At this time, the clinical significance of this variant is uncertain due to the absence of conclusive functional and genetic evidence.

NM_025114.4(CEP290):c.2674A>G (p.Asn892Asp)

Gene: CEP290 (centrosomal protein 290; minus strand). Cytogenetic location: 12q21.32.
Variant type: single nucleotide variant.
Coding change: c.2674A>G on transcript NM_025114.4 (MANE Select); coding-DNA position 2674, A replaced by G.
Protein change: p.Asn892Asp; replaces asparagine 892 with aspartic acid.
Molecular consequence: missense variant.
Genome position (GRCh38, 1-based): chr12:88,106,818, T>C on the plus strand (A>G on the coding strand, the complement: CEP290 is on the minus strand). VCF-style: chr12-88106818-T-C. GRCh37 (hg19) VCF-style: chr12-88500595-T-C.
Other names: short protein forms N892D.
Identifiers: ClinVar variation 3346959 (VCV003346959.2).